The following is an entry in ClinVar:

ClinVar aggregate classification (germline): Pathogenic. Review status: criteria provided, multiple submitters, no conflicts (2 of 4 stars). 6 submissions from 6 submitters: Pathogenic (3). 3 of the submissions do not count toward it. Last evaluated 2025-04-17.

Conditions:
Frontometaphyseal dysplasia 2 (FMD2). Identifiers: MedGen C4310697, MONDO:0014935, OMIM 617137.

Submissions (6):

Labcorp Genetics (formerly Invitae), Labcorp
Classification: Pathogenic. Last evaluated: 2025-04-17. Review status: criteria provided, single submitter. Criteria: Invitae Variant Classification Sherloc (09022015). Collection method: clinical testing. Allele origin: germline.
Comment: This sequence change replaces proline, which is neutral and non-polar, with leucine, which is neutral and non-polar, at codon 512 of the MAP3K7 protein (p.Pro512Leu). This variant is not present in population databases (gnomAD no frequency). This missense change has been observed in individual(s) with frontometaphyseal dysplasia (PMID: 27426733). In at least one individual the variant was observed to be de novo. This variant is also known as p.Pro485Leu. ClinVar contains an entry for this variant (Variation ID: 264698). An algorithm developed to predict the effect of missense changes on protein structure and function (PolyPhen-2) suggests that this variant is likely to be disruptive. Experimental studies have shown that this missense change affects MAP3K7 function (PMID: 27426733). For these reasons, this variant has been classified as Pathogenic.

GeneDx
Classification: Pathogenic. Last evaluated: 2021-10-19. Review status: criteria provided, single submitter. Criteria: GeneDx Variant Classification Process June 2021. Collection method: clinical testing. Allele origin: germline. Affected: yes.
Comment: Not observed at significant frequency in large population cohorts (gnomAD); In silico analysis supports that this missense variant has a deleterious effect on protein structure/function; This variant is associated with the following publications: (PMID: 28498505, 27620904, 27426733, 25899317, 29660408, 29467388)

3billion
Classification: Pathogenic for Frontometaphyseal dysplasia 2. Last evaluated: 2021-10-02. Review status: criteria provided, single submitter. Criteria: ACMG Guidelines, 2015. Collection method: clinical testing. Allele origin: germline. Affected: yes. Observed: 1 heterozygote.
Comment: Same nucleotide change resulting in same amino acid change has been previously reported as pathogenic/likely pathogeic with strong evidence (ClinVar ID: VCV000264698.10, PS1). The variant has been observed in at least four similarly affected unrelated individuals and reported as de novoo (PMID: 27426733, PS2 and PS4) It is not observed in the gnomAD v2.1.1 dataset (PM2). The variant was observed as assumed (i.e. paternity and maternity not confirmed) de novoo (3billion dataset, PM6). Missense changes are a common disease-causing mechanism (PP2). In silico tool predictions suggest damaging effect of the variant on gene or gene product (REVEL: 0.802, PP3). Therefore, this variant is classified as likely pathogenic according to the recommendation of ACMG/AMP guideline.

OMIM
Classification: Pathogenic for FRONTOMETAPHYSEAL DYSPLASIA 2. Last evaluated: 2016-09-30. Review status: no assertion criteria provided. Collection method: literature only. Allele origin: germline. Not counted in ClinVar's aggregate classification.

Diagnostic Laboratory, Department of Genetics, University Medical Center Groningen
Classification: Pathogenic. Review status: no assertion criteria provided. Collection method: clinical testing. Allele origin: germline. Affected: yes. Study: VKGL Data-share Consensus. Not counted in ClinVar's aggregate classification.

Genome Diagnostics Laboratory, Amsterdam University Medical Center
Classification: Pathogenic. Review status: no assertion criteria provided. Collection method: clinical testing. Allele origin: germline. Affected: yes. Study: VKGL Data-share Consensus. Not counted in ClinVar's aggregate classification.

Literature cited by the submitters: PubMed 27426733 (cited by 3 submitters); PubMed 25899317 (cited by OMIM).

NM_145331.3(MAP3K7):c.1535C>T (p.Pro512Leu)

Gene: MAP3K7 (mitogen-activated protein kinase kinase kinase 7; minus strand). Cytogenetic location: 6q15.
Variant type: single nucleotide variant.
Coding change: c.1535C>T on transcript NM_145331.3 (MANE Select); coding-DNA position 1535, C replaced by T.
Protein change: p.Pro512Leu; replaces proline 512 with leucine.
Molecular consequence: missense variant. On other transcripts: intron variant (2).
Genome position (GRCh38, 1-based): chr6:90,518,552, G>A on the plus strand (C>T on the coding strand, the complement: MAP3K7 is on the minus strand). VCF-style: chr6-90518552-G-A. GRCh37 (hg19) VCF-style: chr6-91228271-G-A.
Other names: c.1454C>T, p.Pro485Leu (NM_003188.4); c.1443+706C>T (NM_145333.3); c.1524+706C>T (NM_145332.3); short protein forms P485L, P512L.
Identifiers: ClinVar variation 264698 (VCV000264698.18), dbSNP rs886039230, ClinGen allele CA10588006.